The following is an entry in ClinVar:

ClinVar aggregate classification (germline): Pathogenic (1 of 4 stars; one submission).

Conditions:
Perlman syndrome (PRLMNS). Identifiers: Orphanet 2849, MedGen C0796113, MONDO:0009965, OMIM 267000.

Submission:

Labcorp Genetics (formerly Invitae), Labcorp
Classification: Pathogenic for Perlman syndrome. Last evaluated: 2022-01-17. Review status: criteria provided, single submitter. Criteria: Invitae Variant Classification Sherloc (09022015). Collection method: clinical testing. Allele origin: germline.
Comment: This variant has not been reported in the literature in individuals affected with DIS3L2-related conditions. For these reasons, this variant has been classified as Pathogenic. This variant is not present in population databases (gnomAD no frequency). This sequence change creates a premature translational stop signal (p.Pro613Alafs*8) in the DIS3L2 gene. It is expected to result in an absent or disrupted protein product. Loss-of-function variants in DIS3L2 are known to be pathogenic (PMID: 22306653, 28328139).

Literature cited by the submitters: PubMed 22306653; PubMed 28328139.

NM_152383.5(DIS3L2):c.1835dup (p.Pro613fs)

Gene: DIS3L2 (DIS3 like 3'-5' exoribonuclease 2; plus strand). Cytogenetic location: 2q37.1.
Variant type: Duplication.
Coding change: c.1835dup on transcript NM_152383.5 (MANE Select); coding-DNA position 1835, one base duplicated (C; older notation c.1835dupC).
Protein change: p.Pro613fs; shifts the reading frame from proline 613.
Molecular consequence: frameshift variant. On other transcripts: non-coding transcript variant (2), intron variant (1).
Genome position (GRCh38, 1-based): chr2:232,329,908, C duplicated; the last of 6 consecutive C bases (chr2:232,329,903-232,329,908); duplicating any one gives the same sequence. VCF-style (leftmost placement, unchanged base first): chr2-232329902-A-AC. GRCh37 (hg19) VCF-style: chr2-233194612-A-AC.
Other names: c.1582-13437dup (NM_001257281.2); short protein forms P613fs.
Identifiers: ClinVar variation 2086659 (VCV002086659.4), dbSNP rs1316690885, ClinGen allele CA766150479.